The following is an entry in ClinVar:

NM_172166.4(MSH5):c.678_681del (p.Tyr227fs)

Genes: MSH5 (mutS homolog 5; plus strand), MSH5-SAPCD1 (MSH5-SAPCD1 readthrough (NMD candidate); plus strand). Cytogenetic location: 6p21.33.
Variant type: Deletion.
Coding change: c.678_681del on transcript NM_172166.4 (MANE Select); coding-DNA positions 678 to 681, 4 bases deleted (TTAC; older notation c.678_681delTTAC).
Protein change: p.Tyr227fs; shifts the reading frame from tyrosine 227.
Molecular consequence: frameshift variant. On other transcripts: non-coding transcript variant (1).
Genome position (GRCh38, 1-based): chr6:31,744,576-31,744,579, TTAC deleted; deleting any 4 consecutive bases within chr6:31,744,574-31,744,579 gives the same sequence; the c. name uses the placement nearest the transcript's 3' end. VCF-style (leftmost placement, unchanged base first): chr6-31744573-CACTT-C. GRCh37 (hg19) VCF-style: chr6-31712350-CACTT-C.
Other names: c.678_681del, p.Tyr227fs (NM_002441.5, NM_172165.4); c.729_732del, p.Tyr244fs (NM_025259.6); short protein forms Y227fs, Y244fs.
Identifiers: ClinVar variation 4850271 (VCV004850271.1).

ClinVar aggregate classification (germline): Pathogenic (1 of 4 stars; one submission).

Conditions:
Spermatogenic failure 74 (SPGF74). Identifiers: MedGen C5677010, MONDO:0030972, OMIM 619937.
Premature ovarian failure 13 (POF13). Identifiers: MedGen C4479510, MONDO:0044317, OMIM 617442.

Submission:

First Genomix Gene Laboratory, Genetic Diagnostics Department
Classification: Pathogenic for Premature ovarian failure 13; Spermatogenic failure 74. Last evaluated: 2025-09-03. Review status: criteria provided, single submitter. Criteria: ACMG Guidelines, 2015. Collection method: clinical testing. Allele origin: germline. Inheritance: Autosomal recessive inheritance. Affected: no. Observed: 1 variant allele.